The following is an entry in ClinVar:

NM_130384.3(ATRIP):c.748A>G (p.Lys250Glu)

Genes: ATRIP (ATR interacting protein; plus strand), ATRIP-TREX1 (ATRIP-TREX1 readthrough; plus strand). Cytogenetic location: 3p21.31.
Variant type: single nucleotide variant.
Coding change: c.748A>G on transcript NM_130384.3 (MANE Select); coding-DNA position 748, A replaced by G.
Protein change: p.Lys250Glu; replaces lysine 250 with glutamic acid.
Molecular consequence: missense variant. On other transcripts: non-coding transcript variant (1).
Genome position (GRCh38, 1-based): chr3:48,457,335, A>G. VCF-style: chr3-48457335-A-G. GRCh37 (hg19) VCF-style: chr3-48498735-A-G.
Other names: c.367A>G, p.Lys123Glu (NM_001271022.2); c.469A>G, p.Lys157Glu (NM_001271023.2); c.748A>G, p.Lys250Glu (NM_032166.4); short protein forms K123E, K157E, K250E.
Identifiers: ClinVar variation 3809754 (VCV003809754.1).

ClinVar aggregate classification (germline): Uncertain significance (1 of 4 stars; one submission).

gnomAD v4.1: 2 of 1,608,962 alleles (0.00012%); highest among the groups gnomAD compares: Non-Finnish European, 0.00017%; no homozygotes.

Submission:

Ambry Genetics
Classification: Uncertain significance. Last evaluated: 2025-01-13. Review status: criteria provided, single submitter. Criteria: Ambry Variant Classification Scheme 2023. Collection method: clinical testing. Allele origin: germline.
Comment: The p.K250E variant (also known as c.748A>G), located in coding exon 5 of the ATRIP gene, results from an A to G substitution at nucleotide position 748. The lysine at codon 250 is replaced by glutamic acid, an amino acid with similar properties. This amino acid position is conserved. In addition, the in silico prediction for this alteration is inconclusive. Based on the available evidence, the clinical significance of this variant remains unclear.